The following is an entry in ClinVar:

NM_001845.6(COL4A1):c.2249T>C (p.Ile750Thr)

Gene: COL4A1 (collagen type IV alpha 1 chain; minus strand). Cytogenetic location: 13q34.
Variant type: single nucleotide variant.
Coding change: c.2249T>C on transcript NM_001845.6 (MANE Select); coding-DNA position 2249, T replaced by C.
Protein change: p.Ile750Thr; replaces isoleucine 750 with threonine.
Molecular consequence: missense variant.
Genome position (GRCh38, 1-based): chr13:110,179,366, A>G on the plus strand (T>C on the coding strand, the complement: COL4A1 is on the minus strand). VCF-style: chr13-110179366-A-G. GRCh37 (hg19) VCF-style: chr13-110831713-A-G.
Other names: c.2249T>C (NM_001845.4); short protein forms I750T.
Identifiers: ClinVar variation 2889388 (VCV002889388.5), dbSNP rs1481571221, ClinGen allele CA388668711.

ClinVar aggregate classification (germline): Uncertain significance. Review status: criteria provided, multiple submitters, no conflicts (2 of 4 stars). 3 submissions from 3 submitters: Uncertain significance (3). Last evaluated 2024-08-22.

Conditions:
Inborn genetic diseases. Identifiers: MedGen C0950123, MeSH D030342.

Allele frequency attached by ClinVar (database versions not stated): TOPMed below 0.00001.

Submissions (3):

Revvity Omics, Revvity
Classification: Uncertain significance. Last evaluated: 2024-08-22. Review status: criteria provided, single submitter. Criteria: ACMG Guidelines, 2015. Collection method: clinical testing. Allele origin: germline.

Ambry Genetics
Classification: Uncertain significance for Inborn genetic diseases. Last evaluated: 2024-06-30. Review status: criteria provided, single submitter. Criteria: Ambry Variant Classification Scheme 2023. Collection method: clinical testing. Allele origin: germline.

Labcorp Genetics (formerly Invitae), Labcorp
Classification: Uncertain significance. Last evaluated: 2023-09-10. Review status: criteria provided, single submitter. Criteria: Invitae Variant Classification Sherloc (09022015). Collection method: clinical testing. Allele origin: germline.
Comment: This sequence change replaces isoleucine, which is neutral and non-polar, with threonine, which is neutral and polar, at codon 750 of the COL4A1 protein (p.Ile750Thr). This variant is not present in population databases (gnomAD no frequency). This variant has not been reported in the literature in individuals affected with COL4A1-related conditions. Algorithms developed to predict the effect of missense changes on protein structure and function output the following: SIFT: "Not Available"; PolyPhen-2: "Benign"; Align-GVGD: "Not Available". The threonine amino acid residue is found in multiple mammalian species, which suggests that this missense change does not adversely affect protein function. In summary, the available evidence is currently insufficient to determine the role of this variant in disease. Therefore, it has been classified as a Variant of Uncertain Significance.